The following is an entry in ClinVar:

ClinVar aggregate classification (germline): Uncertain significance (1 of 4 stars; one submission).

Conditions:
BBS1-related disorder. Also called: BBS1-related condition.

gnomAD v4.1: 24 of 1,614,068 alleles (0.0015%); highest among the groups gnomAD compares: East Asian, 0.0089%; no homozygotes.

Submission:

PreventionGenetics, part of Exact Sciences
Classification: Uncertain significance for BBS1-related condition. Last evaluated: 2026-03-24. Review status: criteria provided, single submitter. Criteria: ACMG Guidelines, 2015. Collection method: clinical testing. Allele origin: germline.
Comment: The BBS1 c.1325G>A variant is predicted to result in the amino acid substitution p.Arg442Gln. To our knowledge, this variant has not been reported in the literature. This variant is reported in 0.025% of alleles in individuals of East Asian descent in gnomAD. At this time, the clinical significance of this variant is uncertain due to the absence of conclusive functional and genetic evidence.

NM_024649.5(BBS1):c.1325G>A (p.Arg442Gln)

Genes: BBS1 (Bardet-Biedl syndrome 1; plus strand), ZDHHC24 (zDHHC palmitoyltransferase 24; minus strand). Cytogenetic location: 11q13.2.
Variant type: single nucleotide variant.
Coding change: c.1325G>A on transcript NM_024649.5 (MANE Select); coding-DNA position 1325, G replaced by A.
Protein change: p.Arg442Gln; replaces arginine 442 with glutamine.
Molecular consequence: missense variant. On other transcripts: intron variant (1).
Genome position (GRCh38, 1-based): chr11:66,526,793, G>A. VCF-style: chr11-66526793-G-A. GRCh37 (hg19) VCF-style: chr11-66294264-G-A.
Other names: c.*21+143C>T (NM_001348571.2); short protein forms R442Q.
Identifiers: ClinVar variation 4990617 (VCV004990617.1).